The following is an entry in ClinVar:

ClinVar aggregate classification (germline): Likely benign (0 of 4 stars; one submission).

Conditions:
PPP2R5B-related disorder. Also called: PPP2R5B-related condition.

gnomAD v4.1: 30 of 1,614,032 alleles (0.0019%); highest among the groups gnomAD compares: African/African-American, 0.035%; no homozygotes.

Submission:

PreventionGenetics, part of Exact Sciences
Classification: Likely benign for PPP2R5B-related condition. Last evaluated: 2024-04-04. Review status: no assertion criteria provided. Collection method: clinical testing. Allele origin: germline.
Comment: This variant is classified as likely benign based on ACMG/AMP sequence variant interpretation guidelines (Richards et al. 2015 PMID: 25741868, with internal and published modifications).

NM_006244.4(PPP2R5B):c.285C>G (p.Ala95=)

Gene: PPP2R5B (protein phosphatase 2 regulatory subunit B'beta; plus strand). Cytogenetic location: 11q13.1.
Variant type: single nucleotide variant.
Coding change: c.285C>G on transcript NM_006244.4 (MANE Select); coding-DNA position 285, C replaced by G.
Protein change: p.Ala95=; no amino-acid change (alanine 95 retained).
Molecular consequence: synonymous variant.
Genome position (GRCh38, 1-based): chr11:64,926,797, C>G. VCF-style: chr11-64926797-C-G. GRCh37 (hg19) VCF-style: chr11-64694269-C-G.
Identifiers: ClinVar variation 3351817 (VCV003351817.1).